The following is an entry in ClinVar:

NM_000298.6(PKLR):c.1209G>A (p.Met403Ile)

Gene: PKLR (pyruvate kinase L/R; minus strand). Cytogenetic location: 1q22.
Variant type: single nucleotide variant.
Coding change: c.1209G>A on transcript NM_000298.6 (MANE Select); coding-DNA position 1209, G replaced by A.
Protein change: p.Met403Ile; replaces methionine 403 with isoleucine.
Molecular consequence: missense variant.
Genome position (GRCh38, 1-based): chr1:155,293,498, C>T on the plus strand (G>A on the coding strand, the complement: PKLR is on the minus strand). VCF-style: chr1-155293498-C-T. GRCh37 (hg19) VCF-style: chr1-155263289-C-T.
Other names: c.1116G>A, p.Met372Ile (NM_181871.4); short protein forms M372I, M403I.
Identifiers: ClinVar variation 3720245 (VCV003720245.2).

ClinVar aggregate classification (germline): Likely pathogenic (1 of 4 stars; one submission).

gnomAD v4.1: 1 of 1,614,134 alleles (0.000062%); highest among the groups gnomAD compares: African/African-American, 0.0013%; no homozygotes.

Submission:

Labcorp Genetics (formerly Invitae), Labcorp
Classification: Likely pathogenic. Last evaluated: 2025-01-09. Review status: criteria provided, single submitter. Criteria: Invitae Variant Classification Sherloc (09022015). Collection method: clinical testing. Allele origin: germline.
Comment: This sequence change replaces methionine, which is neutral and non-polar, with isoleucine, which is neutral and non-polar, at codon 403 of the PKLR protein (p.Met403Ile). This variant is present in population databases (rs368784290, gnomAD 0.007%). This missense change has been observed in individual(s) with pyruvate kinase deficiency (PMID: 15953013). In at least one individual the data is consistent with being in trans (on the opposite chromosome) from a pathogenic variant. It has also been observed to segregate with disease in related individuals. Invitae Evidence Modeling of protein sequence and biophysical properties (such as structural, functional, and spatial information, amino acid conservation, physicochemical variation, residue mobility, and thermodynamic stability) has been performed for this missense variant. However, the output from this modeling did not meet the statistical confidence thresholds required to predict the impact of this variant on PKLR protein function. In summary, the currently available evidence indicates that the variant is pathogenic, but additional data are needed to prove that conclusively. Therefore, this variant has been classified as Likely Pathogenic.

Literature cited by the submitters: PubMed 15953013.